The following is an entry in ClinVar:

ClinVar aggregate classification (germline): Uncertain significance (1 of 4 stars; one submission).

Conditions:
Emery-Dreifuss muscular dystrophy 5, autosomal dominant (EDMD5). Also called: EMERY-DREIFUSS MUSCULAR DYSTROPHY 5. Identifiers: Orphanet 261, MedGen C2751805, MONDO:0013072, OMIM 612999.

Allele frequency attached by ClinVar (database versions not stated): gnomAD exomes below 0.00001.
gnomAD v4.1: 1 of 1,614,106 alleles (0.000062%); highest among the groups gnomAD compares: Non-Finnish European, 0.000085%; no homozygotes.

Submission:

Labcorp Genetics (formerly Invitae), Labcorp
Classification: Uncertain significance for Emery-Dreifuss muscular dystrophy 5, autosomal dominant. Last evaluated: 2022-11-14. Review status: criteria provided, single submitter. Criteria: Invitae Variant Classification Sherloc (09022015). Collection method: clinical testing. Allele origin: germline.
Comment: Algorithms developed to predict the effect of missense changes on protein structure and function are either unavailable or do not agree on the potential impact of this missense change (SIFT: "Tolerated"; PolyPhen-2: "Possibly Damaging"; Align-GVGD: "Class C0"). In summary, the available evidence is currently insufficient to determine the role of this variant in disease. Therefore, it has been classified as a Variant of Uncertain Significance. This variant has not been reported in the literature in individuals affected with SYNE2-related conditions. This variant is not present in population databases (gnomAD no frequency). This sequence change replaces proline, which is neutral and non-polar, with threonine, which is neutral and polar, at codon 6387 of the SYNE2 protein (p.Pro6387Thr).

NM_182914.3(SYNE2):c.19159C>A (p.Pro6387Thr)

Gene: SYNE2 (spectrin repeat containing nuclear envelope protein 2; plus strand). Cytogenetic location: 14q23.2.
Variant type: single nucleotide variant.
Coding change: c.19159C>A on transcript NM_182914.3 (MANE Select); coding-DNA position 19159, C replaced by A.
Protein change: p.Pro6387Thr; replaces proline 6387 with threonine.
Molecular consequence: missense variant.
Genome position (GRCh38, 1-based): chr14:64,214,296, C>A. VCF-style: chr14-64214296-C-A. GRCh37 (hg19) VCF-style: chr14-64681014-C-A.
Other names: c.19159C>A, p.Pro6387Thr (NM_015180.6); c.61C>A, p.Pro21Thr (NM_182913.4); short protein forms P6387T, P21T.
Identifiers: ClinVar variation 2097144 (VCV002097144.4), dbSNP rs2550165615, ClinGen allele CA389956462.